The following is an entry in ClinVar:

NM_017680.6(ASPN):c.575G>A (p.Gly192Glu)

Genes: ASPN (asporin; minus strand), CENPP (centromere protein P; plus strand). Cytogenetic location: 9q22.31.
Variant type: single nucleotide variant.
Coding change: c.575G>A on transcript NM_017680.6 (MANE Select); coding-DNA position 575, G replaced by A.
Protein change: p.Gly192Glu; replaces glycine 192 with glutamic acid.
Molecular consequence: missense variant. On other transcripts: intron variant (2).
Genome position (GRCh38, 1-based): chr9:92,466,381, C>T on the plus strand (G>A on the coding strand, the complement: ASPN is on the minus strand). VCF-style: chr9-92466381-C-T. GRCh37 (hg19) VCF-style: chr9-95228663-C-T.
Other names: c.575G>A, p.Gly192Glu (NM_001193335.3); c.228+86522C>T (NM_001286969.1); c.564+86522C>T (NM_001012267.3); short protein forms G192E.
Identifiers: ClinVar variation 3041357 (VCV003041357.2), dbSNP rs41278695, ClinGen allele CA5124788.

ClinVar aggregate classification (germline): Benign (0 of 4 stars; one submission).

Conditions:
ASPN-related disorder. Also called: ASPN-related condition.

Allele frequency attached by ClinVar (database versions not stated): 1000 Genomes Project 0.00300; 1000 Genomes Project 30x 0.00344; TOPMed 0.00667; ESP Exome Variant Server 0.00715; ExAC 0.00741.
gnomAD v4.1: 14,649 of 1,605,986 alleles (0.91%); highest among the groups gnomAD compares: Non-Finnish European, 1.1%; 93 homozygotes.

Submission:

PreventionGenetics, part of Exact Sciences
Classification: Benign for ASPN-related condition. Last evaluated: 2019-05-08. Review status: no assertion criteria provided. Collection method: clinical testing. Allele origin: germline.
Comment: This variant is classified as benign based on ACMG/AMP sequence variant interpretation guidelines (Richards et al. 2015 PMID: 25741868, with internal and published modifications).